The following is an entry in ClinVar:

NM_001330588.2(TPP2):c.3253A>G (p.Arg1085Gly)

Gene: TPP2 (tripeptidyl peptidase 2; plus strand). Cytogenetic location: 13q33.1.
Variant type: single nucleotide variant.
Coding change: c.3253A>G on transcript NM_001330588.2 (MANE Select); coding-DNA position 3253, A replaced by G.
Protein change: p.Arg1085Gly; replaces arginine 1085 with glycine.
Molecular consequence: missense variant. On other transcripts: non-coding transcript variant (1).
Genome position (GRCh38, 1-based): chr13:102,664,807, A>G. VCF-style: chr13-102664807-A-G. GRCh37 (hg19) VCF-style: chr13-103317157-A-G.
Other names: c.3214A>G, p.Arg1072Gly (NM_001367947.1, NM_003291.4); short protein forms R1072G, R1085G.
Identifiers: ClinVar variation 2717485 (VCV002717485.2), dbSNP rs746962715, ClinGen allele CA7038242.

ClinVar aggregate classification (germline): Uncertain significance (1 of 4 stars; one submission).

Conditions:
Evans syndrome, immunodeficiency, and premature immunosenescence associated with tripeptidyl-peptidase II deficiency. Identifiers: MedGen CN231723. Disease mechanism: loss of function.

Allele frequency attached by ClinVar (database versions not stated): ExAC 0.00002; gnomAD 0.00002; gnomAD exomes 0.00003; TOPMed 0.00004.
gnomAD v4.1: 51 of 1,612,756 alleles (0.0032%); highest among the groups gnomAD compares: Non-Finnish European, 0.0041%; no homozygotes.

Submission:

Labcorp Genetics (formerly Invitae), Labcorp
Classification: Uncertain significance for Evans syndrome, immunodeficiency, and premature immunosenescence associated with tripeptidyl-peptidase II deficiency. Last evaluated: 2025-12-22. Review status: criteria provided, single submitter. Criteria: Invitae Variant Classification Sherloc (09022015). Collection method: clinical testing. Allele origin: germline.
Comment: This sequence change replaces arginine, which is basic and polar, with glycine, which is neutral and non-polar, at codon 1072 of the TPP2 protein (p.Arg1072Gly). This variant is present in population databases (rs746962715, gnomAD 0.005%). This variant has not been reported in the literature in individuals affected with TPP2-related conditions. ClinVar contains an entry for this variant (Variation ID: 2717485). An algorithm developed to predict the effect of missense changes on protein structure and function (PolyPhen-2) suggests that this variant is likely to be tolerated. In summary, the available evidence is currently insufficient to determine the role of this variant in disease. Therefore, it has been classified as a Variant of Uncertain Significance.